The following is an entry in ClinVar:

NM_004153.4(ORC1):c.275del (p.Phe92fs)

Gene: ORC1 (origin recognition complex subunit 1; minus strand). Cytogenetic location: 1p32.3.
Variant type: Deletion.
Coding change: c.275del on transcript NM_004153.4 (MANE Select); coding-DNA position 275, one base deleted (T; older notation c.275delT).
Protein change: p.Phe92fs; shifts the reading frame from phenylalanine 92.
Molecular consequence: frameshift variant.
Genome position (GRCh38, 1-based): chr1:52,397,812, A deleted on the plus strand (T on the coding strand, the reverse complement: ORC1 is on the minus strand); the first of 2 consecutive A bases (chr1:52,397,812-52,397,813); deleting either gives the same sequence. VCF-style (leftmost placement, unchanged base first): chr1-52397811-GA-G. GRCh37 (hg19) VCF-style: chr1-52863483-GA-G.
Other names: c.275del, p.Phe92fs (NM_001190818.2, NM_001190819.2); short protein forms F92fs.
Identifiers: ClinVar variation 1438201 (VCV001438201.6), dbSNP rs2147942943, ClinGen allele CA2573132443.

ClinVar aggregate classification (germline): Pathogenic (1 of 4 stars; one submission).

Submission:

Labcorp Genetics (formerly Invitae), Labcorp
Classification: Pathogenic. Last evaluated: 2021-08-28. Review status: criteria provided, single submitter. Criteria: Invitae Variant Classification Sherloc (09022015). Collection method: clinical testing. Allele origin: germline.
Comment: For these reasons, this variant has been classified as Pathogenic. This sequence change creates a premature translational stop signal (p.Phe92Serfs*44) in the ORC1 gene. It is expected to result in an absent or disrupted protein product. Loss-of-function variants in ORC1 are known to be pathogenic (PMID: 21358633). This variant is not present in population databases (ExAC no frequency). This variant has not been reported in the literature in individuals affected with ORC1-related conditions.

Literature cited by the submitters: PubMed 21358633.